The following is an entry in ClinVar:

ClinVar aggregate classification (germline): Likely pathogenic (1 of 4 stars; one submission).

Submission:

GeneDx
Classification: Likely pathogenic. Last evaluated: 2026-08-19. Review status: criteria provided, single submitter. Criteria: GeneDx Variant Classification Process June 2021. Collection method: clinical testing. Allele origin: germline.
Comment: Not observed at significant frequency in large population cohorts (gnomAD); In silico analysis supports that this missense variant has a deleterious effect on protein structure/function; Has not been previously published as pathogenic or benign to our knowledge

NM_006908.5(RAC1):c.149C>T (p.Pro50Leu)

Gene: RAC1 (Rac family small GTPase 1; plus strand). Cytogenetic location: 7p22.1.
Variant type: single nucleotide variant.
Coding change: c.149C>T on transcript NM_006908.5 (MANE Select); coding-DNA position 149, C replaced by T.
Protein change: p.Pro50Leu; replaces proline 50 with leucine.
Molecular consequence: missense variant.
Genome position (GRCh38, 1-based): chr7:6,391,965, C>T. VCF-style: chr7-6391965-C-T. GRCh37 (hg19) VCF-style: chr7-6431596-C-T.
Other names: c.149C>T, p.Pro50Leu (NM_018890.4); short protein forms P50L.
Identifiers: ClinVar variation 3899459 (VCV003899459.2).